The following is an entry in ClinVar:

ClinVar aggregate classification (germline): Uncertain significance (1 of 4 stars; one submission).

Conditions:
TRIM32-related disorder. Also called: TRIM32-related condition.

Submission:

PreventionGenetics, part of Exact Sciences
Classification: Uncertain significance for TRIM32-related condition. Last evaluated: 2026-02-25. Review status: criteria provided, single submitter. Criteria: ACMG Guidelines, 2015. Collection method: clinical testing. Allele origin: germline.
Comment: The TRIM32 c.1912C>T variant is predicted to result in the amino acid substitution p.His638Tyr. To our knowledge, this variant has not been reported in the literature or in a large population database (gnomAD), indicating this variant is rare. At this time, the clinical significance of this variant is uncertain due to the absence of conclusive functional and genetic evidence.

NM_012210.4(TRIM32):c.1912C>T (p.His638Tyr)

Genes: ASTN2 (astrotactin 2; minus strand), TRIM32 (tripartite motif containing 32; plus strand). Cytogenetic location: 9q33.1.
Variant type: single nucleotide variant.
Coding change: c.1912C>T on transcript NM_012210.4 (MANE Select); coding-DNA position 1912, C replaced by T.
Protein change: p.His638Tyr; replaces histidine 638 with tyrosine.
Molecular consequence: missense variant. On other transcripts: intron variant (3).
Genome position (GRCh38, 1-based): chr9:116,699,654, C>T. VCF-style: chr9-116699654-C-T. GRCh37 (hg19) VCF-style: chr9-119461933-C-T.
Other names: c.1912C>T, p.His638Tyr (NM_001099679.2, NM_001379048.1, NM_001379049.1 and 1 more transcripts); c.2653+26117G>A (NM_014010.5); c.2794+26117G>A (NM_001365069.1); c.2806+26117G>A (NM_001365068.1); short protein forms H638Y.
Identifiers: ClinVar variation 4991468 (VCV004991468.1).